The following is an entry in ClinVar:

ClinVar aggregate classification (germline): Pathogenic/Likely pathogenic. Review status: criteria provided, multiple submitters, no conflicts (2 of 4 stars). 11 submissions from 11 submitters: Pathogenic (6); Likely pathogenic (1). 4 of the submissions do not count toward it. Last evaluated 2026-01-17.

Conditions:
PYCR1-related disorder. Also called: PYCR1-related condition.
Autosomal recessive cutis laxa type 2B (ARCL2B). Also called: CUTIS LAXA, AUTOSOMAL RECESSIVE, TYPE IIB; CUTIS LAXA WITH PROGEROID FEATURES. Identifiers: Orphanet 357064, MedGen C2751987, MONDO:0013051, OMIM 612940. Disease mechanism: loss of function.
Cutis laxa. Identifiers: Orphanet 209, MedGen C0010495, MONDO:0016175, HP:0000973.
PYCR1-related de Barsy syndrome. Also called: CUTIS LAXA, AUTOSOMAL RECESSIVE, TYPE IIIB; DE BARSY SYNDROME B. Identifiers: Orphanet 293633, Orphanet 2962, MedGen C3280799, MONDO:0013755, OMIM 614438.

Allele frequency attached by ClinVar (database versions not stated): TOPMed 0.00008; gnomAD 0.00013 and 0.00014; 1000 Genomes Project 30x 0.00016; 1000 Genomes Project 0.00020.

Submissions (11):

Labcorp Genetics (formerly Invitae), Labcorp
Classification: Pathogenic. Last evaluated: 2026-01-17. Review status: criteria provided, single submitter. Criteria: Invitae Variant Classification Sherloc (09022015). Collection method: clinical testing. Allele origin: germline.
Comment: This sequence change replaces arginine, which is basic and polar, with cysteine, which is neutral and slightly polar, at codon 119 of the PYCR1 protein (p.Arg119Cys). This variant is present in population databases (rs121918376, gnomAD 0.08%). This missense change has been observed in individuals with cutis laxa (PMID: 23963297, 24035636, 30450527). ClinVar contains an entry for this variant (Variation ID: 488456). Invitae Evidence Modeling of protein sequence and biophysical properties (such as structural, functional, and spatial information, amino acid conservation, physicochemical variation, residue mobility, and thermodynamic stability) indicates that this missense variant is expected to disrupt PYCR1 protein function with a positive predictive value of 80%. Experimental studies have shown that this missense change affects PYCR1 function (PMID: 25865492). For these reasons, this variant has been classified as Pathogenic.

Rady Children's Institute for Genomic Medicine, Rady Children's Hospital San Diego
Classification: Likely pathogenic for PYCR1-related disorders. Last evaluated: 2024-12-02. Review status: criteria provided, single submitter. Criteria: ACMG Guidelines, 2015. Collection method: clinical testing. Allele origin: germline. Affected: yes.
Comment: The c.355C>T (p.Arg119Cys) variant affects a highly conserved amino acid and is predicted by multiple in silico tools to have a deleterious effect on protein function. This variant has been previously reported as a homozygous and compound heterozygous change in patients with cutis laxa (PMID: 24035636, 30450527, 23963297, 28294978). Different amino acid changes at the same residue (p.Arg119) have been previously reported in individuals with PYCR1-related disorders (PMID: 19648921, 30450527). Functional studies indicate this variant may lead to reduced PYCR1 activity (PMID: 25865492). The c.355C>T (p.Arg119Cys) variant is present in the latest version of the gnomAD population database at an allele frequency of 0.004% (79/1609746), and is absent in the homozygous state, thus is presumed to be rare. Based on the available evidence, c.355C>T (p.Arg119Cys) is classified as Likely Pathogenic.

Genomic Medicine Center of Excellence, King Faisal Specialist Hospital and Research Centre
Classification: Pathogenic for PYCR1-related de Barsy syndrome. Last evaluated: 2024-04-04. Review status: criteria provided, single submitter. Criteria: ACMG Guidelines, 2015. Collection method: clinical testing. Allele origin: germline.

GeneDx
Classification: Pathogenic. Last evaluated: 2023-10-06. Review status: criteria provided, single submitter. Criteria: GeneDx Variant Classification Process June 2021. Collection method: clinical testing. Allele origin: germline. Affected: yes.
Comment: Published functional studies demonstrate a damaging effect: decreased protein levels observed in transfected cells, compared to wild type, suggesting the variant is associated with protein instability (Nakayama et al., 2015); This variant is associated with the following publications: (PMID: 30450527, 23963297, 28294978, Tramontana 2021[Case report], 35599849, 24035636, 25865492, 33771508)

Women's Health and Genetics/Laboratory Corporation of America, LabCorp
Classification: Pathogenic for Cutis laxa. Last evaluated: 2022-12-08. Review status: criteria provided, single submitter. Criteria: LabCorp Variant Classification Summary - May 2015. Collection method: clinical testing. Allele origin: germline.
Comment: Variant summary: PYCR1 c.355C>T (p.Arg119Cys) results in a non-conservative amino acid change in the encoded protein sequence. Five of five in-silico tools predict a damaging effect of the variant on protein function. The variant allele was found at a frequency of 5.7e-05 in 246662 control chromosomes. c.355C>T has been reported in the literature in multiple individuals affected with Cutis Laxa - PYCR1 Related phenotypes (Example: Dimopoulou_2013, Gardeitchik_2014, Lessel_2018 and Nakayama_2015). These data indicate that the variant is very likely to be associated with disease. At least one publication reports experimental evidence evaluating an impact on protein function, indicating less than 2% cell activity compared to Wildtype in lymphoblastoid cell lines (Nakayama_2015). Four clinical diagnostic laboratories have submitted clinical-significance assessments for this variant to ClinVar after 2014 without evidence for independent evaluation. All laboratories classified the variant as pathogenic. Based on the evidence outlined above, the variant was classified as pathogenic.

Blueprint Genetics
Classification: Pathogenic for PYCR1-related disorders. Last evaluated: 2021-11-15. Review status: criteria provided, single submitter. Criteria: ACMG Guidelines, 2015. Collection method: clinical testing. Allele origin: germline. Affected: yes. Observed: 5 variant alleles.

Baylor Genetics
Classification: Pathogenic for Autosomal recessive cutis laxa type 2B. Last evaluated: 2019-10-30. Review status: criteria provided, single submitter. Criteria: ACMG Guidelines, 2015. Collection method: clinical testing. Allele origin: unknown. Affected: yes.
Comment: This variant was determined to be pathogenic according to ACMG Guidelines, 2015 [PMID:25741868].

PreventionGenetics, part of Exact Sciences
Classification: Likely pathogenic for PYCR1-related condition. Last evaluated: 2023-12-29. Review status: no assertion criteria provided. Collection method: clinical testing. Allele origin: germline. Not counted in ClinVar's aggregate classification.
Comment: The PYCR1 c.355C>T variant is predicted to result in the amino acid substitution p.Arg119Cys. This variant was reported in individuals presenting with autosomal recessive cutis laxa (Table 2, Dimopoulou et al. 2013. PubMed ID: 24035636; Table 2, Gardeitchik et al. 2013. PubMed ID: 23963297). It has also been reported in the homozygous state in individuals with microcephaly, hypomyelination, hypotonia, and developmental and white matter anomalies (Nakayama et al. 2015. PubMed ID: 25865492; Individual 6, Lessel et al. 2018. PubMed ID: 30450527). This variant is reported in 0.049% of alleles in individuals of Ashkenazi Jewish descent in gnomAD. This variant is interpreted as likely pathogenic.

Molecular Genetics Laboratory, BC Children's and BC Women's Hospitals
Classification: Pathogenic for PYCR1-related cutis laxa. Last evaluated: 2017-07-28. Review status: no assertion criteria provided. Criteria: ACMG Guidelines, 2015. Collection method: clinical testing. Allele origin: germline. Affected: yes. Not counted in ClinVar's aggregate classification.

Genome Diagnostics Laboratory, Amsterdam University Medical Center
Classification: Pathogenic. Review status: no assertion criteria provided. Collection method: clinical testing. Allele origin: germline. Affected: yes. Study: VKGL Data-share Consensus. Not counted in ClinVar's aggregate classification.

Laboratory of Diagnostic Genome Analysis, Leiden University Medical Center (LUMC)
Classification: Likely pathogenic. Review status: no assertion criteria provided. Collection method: clinical testing. Allele origin: germline. Affected: yes. Study: VKGL Data-share Consensus. Not counted in ClinVar's aggregate classification.

Literature cited by the submitters: PubMed 23963297 (cited by 3 submitters); PubMed 24035636 (cited by 3 submitters); PubMed 30450527 (cited by 3 submitters); PubMed 25865492 (cited by 3 submitters); PubMed 28294978 (cited by Rady Children's Institute for Genomic Medicine, Rady Children's Hospital San Diego); PubMed 19648921 (cited by Rady Children's Institute for Genomic Medicine, Rady Children's Hospital San Diego).

NM_006907.4(PYCR1):c.355C>T (p.Arg119Cys)

Gene: PYCR1 (pyrroline-5-carboxylate reductase 1; minus strand). Cytogenetic location: 17q25.3.
Variant type: single nucleotide variant.
Coding change: c.355C>T on transcript NM_006907.4 (MANE Select); coding-DNA position 355, C replaced by T.
Protein change: p.Arg119Cys; replaces arginine 119 with cysteine.
Molecular consequence: missense variant.
Genome position (GRCh38, 1-based): chr17:81,935,111, G>A on the plus strand (C>T on the coding strand, the complement: PYCR1 is on the minus strand). VCF-style: chr17-81935111-G-A. GRCh37 (hg19) VCF-style: chr17-79892987-G-A.
Other names: c.355C>T, p.Arg119Cys (NM_001282279.2, NM_001282280.2, NM_001330523.2 and 1 more transcripts); c.436C>T, p.Arg146Cys (NM_001282281.2); short protein forms R119C, R146C.
Identifiers: ClinVar variation 488456 (VCV000488456.18), dbSNP rs121918376, ClinGen allele CA8845460.